The following is an entry in ClinVar:

NM_005921.2(MAP3K1):c.1780G>T (p.Ala594Ser)

Gene: MAP3K1 (mitogen-activated protein kinase kinase kinase 1; plus strand). Cytogenetic location: 5q11.2.
Variant type: single nucleotide variant.
Coding change: c.1780G>T on transcript NM_005921.2 (MANE Select); coding-DNA position 1780, G replaced by T.
Protein change: p.Ala594Ser; replaces alanine 594 with serine.
Molecular consequence: missense variant.
Genome position (GRCh38, 1-based): chr5:56,875,125, G>T. VCF-style: chr5-56875125-G-T. GRCh37 (hg19) VCF-style: chr5-56170952-G-T.
Other names: short protein forms A594S.
Identifiers: ClinVar variation 3122794 (VCV003122794.2), dbSNP rs922852018, ClinGen allele CA119073172.

ClinVar aggregate classification (germline): Uncertain significance. Review status: criteria provided, multiple submitters, no conflicts (2 of 4 stars). 2 submissions from 2 submitters: Uncertain significance (2). Last evaluated 2024-04-28.

Conditions:
Inborn genetic diseases. Identifiers: MedGen C0950123, MeSH D030342.
46,XY sex reversal 6. Also called: 46,XY SEX REVERSAL, PARTIAL OR COMPLETE, MAP3K1-RELATED; 46,XY GONADAL DYSGENESIS, PARTIAL OR COMPLETE, MAP3K1-RELATED. Identifiers: MedGen C3151064, MONDO:0013410, OMIM 613762.

Allele frequency attached by ClinVar (database versions not stated): gnomAD 0.00001; gnomAD exomes 0.00001; TOPMed 0.00003.
gnomAD v4.1: 7 of 1,614,084 alleles (0.00043%); highest among the groups gnomAD compares: Admixed American, 0.01%; no homozygotes.

Submissions (2):

Laboratorio de Genetica e Diagnostico Molecular, Hospital Israelita Albert Einstein
Classification: Uncertain significance for 46,XY sex reversal 6. Last evaluated: 2024-04-28. Review status: criteria provided, single submitter. Criteria: ACMG Guidelines, 2015. Collection method: clinical testing. Allele origin: germline. Affected: yes.
Comment: ACMG classification criteria: PM2 supporting, BP4 supporting

Ambry Genetics
Classification: Uncertain significance for Inborn genetic diseases. Last evaluated: 2023-11-29. Review status: criteria provided, single submitter. Criteria: Ambry Variant Classification Scheme 2023. Collection method: clinical testing. Allele origin: germline.